The following is an entry in ClinVar:

ClinVar aggregate classification (germline): Uncertain significance (1 of 4 stars; one submission).

Allele frequency attached by ClinVar (database versions not stated): gnomAD 0.00001; ExAC 0.00002; TOPMed 0.00001; gnomAD exomes 0.00001.
gnomAD v4.1: 16 of 1,614,008 alleles (0.00099%); highest among the groups gnomAD compares: Admixed American, 0.0017%; no homozygotes.

Submission:

Labcorp Genetics (formerly Invitae), Labcorp
Classification: Uncertain significance. Last evaluated: 2023-12-11. Review status: criteria provided, single submitter. Criteria: Invitae Variant Classification Sherloc (09022015). Collection method: clinical testing. Allele origin: germline.
Comment: This sequence change replaces lysine, which is basic and polar, with arginine, which is basic and polar, at codon 1043 of the CENPJ protein (p.Lys1043Arg). This variant is present in population databases (rs750160134, gnomAD 0.002%). This variant has not been reported in the literature in individuals affected with CENPJ-related conditions. ClinVar contains an entry for this variant (Variation ID: 1500792). Advanced modeling of protein sequence and biophysical properties (such as structural, functional, and spatial information, amino acid conservation, physicochemical variation, residue mobility, and thermodynamic stability) performed at Invitae indicates that this missense variant is not expected to disrupt CENPJ protein function with a negative predictive value of 80%. In summary, the available evidence is currently insufficient to determine the role of this variant in disease. Therefore, it has been classified as a Variant of Uncertain Significance.

NM_018451.5(CPAP):c.3128A>G (p.Lys1043Arg)

Gene: CPAP (centrosome assembly and centriole elongation protein; minus strand). Cytogenetic location: 13q12.12.
Variant type: single nucleotide variant.
Coding change: c.3128A>G on transcript NM_018451.5 (MANE Select); coding-DNA position 3128, A replaced by G.
Protein change: p.Lys1043Arg; replaces lysine 1043 with arginine.
Molecular consequence: missense variant. On other transcripts: non-coding transcript variant (2).
Genome position (GRCh38, 1-based): chr13:24,892,731, T>C on the plus strand (A>G on the coding strand, the complement: CPAP is on the minus strand). VCF-style: chr13-24892731-T-C. GRCh37 (hg19) VCF-style: chr13-25466869-T-C.
Other names: short protein forms K1043R.
Identifiers: ClinVar variation 1500792 (VCV001500792.4), dbSNP rs750160134, ClinGen allele CA6919403.
Genomic context (GRCh38, chr13:24,892,731, plus strand): 5'-AGGCTGCTCTCTATGGCTTCTGCTCTCTTCCAGGCATCCAGTCGGAATCTTTCCATCACT[T>C]TTATTTCTTCCCGGAGGTCTGTGTTCTCTCTGACTAACATTTGTATCTGGCTTCTGAGAC-3'
Protein context (NP_060921.3, residues 1033-1053): RENTDLREEI[Lys1043Arg]VMERFRLDAW